The following is an entry in ClinVar:

NM_001365999.1(SZT2):c.8152-3C>T

Gene: SZT2 (SZT2 subunit of KICSTOR complex; plus strand). Cytogenetic location: 1p34.2.
Variant type: single nucleotide variant.
Coding change: c.8152-3C>T on transcript NM_001365999.1 (MANE Select); 3 bases into the intron before coding-DNA position 8152, C replaced by T.
Molecular consequence: intron variant.
Genome position (GRCh38, 1-based): chr1:43,442,816, C>T. VCF-style: chr1-43442816-C-T. GRCh37 (hg19) VCF-style: chr1-43908487-C-T.
Other names: c.7981-3C>T (NM_015284.3, NM_015284.4).
Identifiers: ClinVar variation 2168122 (VCV002168122.3), dbSNP rs370670185, ClinGen allele CA810471.

ClinVar aggregate classification (germline): Conflicting classifications of pathogenicity. Review status: criteria provided, conflicting classifications (1 of 4 stars). 2 submissions from 2 submitters: Uncertain significance (1); Likely benign (1). Last evaluated 2024-10-25.

Conditions:
SZT2-related disorder. Also called: SZT2-related condition.

Allele frequency attached by ClinVar (database versions not stated): ExAC 0.00001; TOPMed 0.00002; gnomAD 0.00003; ESP Exome Variant Server 0.00008.
gnomAD v4.1: 8 of 1,595,036 alleles (0.0005%); highest among the groups gnomAD compares: African/African-American, 0.0067%; no homozygotes.

Submissions (3):

PreventionGenetics, part of Exact Sciences
Classification: Likely benign for SZT2-related condition. Last evaluated: 2024-10-25. Review status: criteria provided, single submitter. Criteria: ACMG Guidelines, 2015. Collection method: clinical testing. Allele origin: germline.
Comment: This variant is classified as likely benign based on ACMG/AMP sequence variant interpretation guidelines (Richards et al. 2015 PMID: 25741868, with internal and published modifications).

Labcorp Genetics (formerly Invitae), Labcorp
Classification: Uncertain significance. Last evaluated: 2022-07-29. Review status: criteria provided, single submitter. Criteria: Invitae Variant Classification Sherloc (09022015). Collection method: clinical testing. Allele origin: germline.
Comment: This sequence change falls in intron 57 of the SZT2 gene. It does not directly change the encoded amino acid sequence of the SZT2 protein. It affects a nucleotide within the consensus splice site. This variant is present in population databases (rs370670185, gnomAD 0.007%). This variant has not been reported in the literature in individuals affected with SZT2-related conditions. Variants that disrupt the consensus splice site are a relatively common cause of aberrant splicing (PMID: 17576681, 9536098). Algorithms developed to predict the effect of sequence changes on RNA splicing suggest that this variant is not likely to affect RNA splicing. In summary, the available evidence is currently insufficient to determine the role of this variant in disease. Therefore, it has been classified as a Variant of Uncertain Significance.

Dr. Peter K. Rogan Lab, Western University
No classification provided (evidence only). Condition: Ovarian serous cystadenocarcinoma. Review status: no classification provided. Collection method: in vitro. Allele origin: not applicable. Functional consequence: retained intron. Not counted in ClinVar's aggregate classification.

Literature cited by the submitters: PubMed 17576681 (cited by Labcorp Genetics (formerly Invitae), Labcorp); PubMed 9536098 (cited by Labcorp Genetics (formerly Invitae), Labcorp).